The following is an entry in ClinVar:

NM_024529.5(CDC73):c.87G>C (p.Glu29Asp)

Gene: CDC73 (cell division cycle 73; plus strand). Cytogenetic location: 1q31.2.
Variant type: single nucleotide variant.
Coding change: c.87G>C on transcript NM_024529.5 (MANE Select); coding-DNA position 87, G replaced by C.
Protein change: p.Glu29Asp; replaces glutamic acid 29 with aspartic acid.
Molecular consequence: missense variant.
Genome position (GRCh38, 1-based): chr1:193,122,287, G>C. VCF-style: chr1-193122287-G-C. GRCh37 (hg19) VCF-style: chr1-193091417-G-C.
Other names: short protein forms E29D.
Identifiers: ClinVar variation 1462062 (VCV001462062.10), dbSNP rs752004076, ClinGen allele CA34407958.
Genomic context (GRCh38, chr1:193,122,287, plus strand): 5'-ACAGTACAACATCCAGAAGAAGGAGATTGTGGTGAAGGGAGACGAAGTGATCTTCGGGGA[G>C]TTCTCCTGGCCCAAGAATGTGAAGACCAACTATGTTGTTTGGGGGTAAGTCCGGCATGGC-3'
Protein context (NP_078805.3, residues 19-39): VVKGDEVIFG[Glu29Asp]FSWPKNVKTN

ClinVar aggregate classification (germline): Uncertain significance. Review status: criteria provided, multiple submitters, no conflicts (2 of 4 stars). 2 submissions from 2 submitters: Uncertain significance (2). Last evaluated 2024-02-22.

Conditions:
Hereditary cancer-predisposing syndrome. Also called: Tumor predisposition; Hereditary neoplastic syndrome; Hereditary Cancer Syndrome; Neoplastic Syndromes, Hereditary. Identifiers: Orphanet 140162, MedGen C0027672, MeSH D009386, MONDO:0015356.
Parathyroid carcinoma (PRTC). Also called: Parathyroid gland carcinoma; CDC73-Related Parathyroid Carcinoma. Identifiers: Orphanet 143, MedGen C0687150, MONDO:0012004, OMIM 608266, HP:0006780.

gnomAD v4.1: 1 of 1,614,190 alleles (0.000062%); highest among the groups gnomAD compares: Non-Finnish European, 0.000085%; no homozygotes.

Submissions (2):

Ambry Genetics
Classification: Uncertain significance for Hereditary cancer-predisposing syndrome. Last evaluated: 2024-02-22. Review status: criteria provided, single submitter. Criteria: Ambry Variant Classification Scheme 2023. Collection method: clinical testing. Allele origin: germline.
Comment: The p.E29D variant (also known as c.87G>C), located in coding exon 1 of the CDC73 gene, results from a G to C substitution at nucleotide position 87. The glutamic acid at codon 29 is replaced by aspartic acid, an amino acid with highly similar properties. This amino acid position is conserved. In addition, the in silico prediction for this alteration is inconclusive. Since supporting evidence is limited at this time, the clinical significance of this alteration remains unclear.

Labcorp Genetics (formerly Invitae), Labcorp
Classification: Uncertain significance for Parathyroid carcinoma. Last evaluated: 2020-12-02. Review status: criteria provided, single submitter. Criteria: Invitae Variant Classification Sherloc (09022015). Collection method: clinical testing. Allele origin: germline.
Comment: In summary, the available evidence is currently insufficient to determine the role of this variant in disease. Therefore, it has been classified as a Variant of Uncertain Significance. Algorithms developed to predict the effect of missense changes on protein structure and function (SIFT, PolyPhen-2, Align-GVGD) all suggest that this variant is likely to be tolerated, but these predictions have not been confirmed by published functional studies and their clinical significance is uncertain. This variant has not been reported in the literature in individuals with CDC73-related conditions. This variant is not present in population databases (ExAC no frequency). This sequence change replaces glutamic acid with aspartic acid at codon 29 of the CDC73 protein (p.Glu29Asp). The glutamic acid residue is moderately conserved and there is a small physicochemical difference between glutamic acid and aspartic acid.